The following is an entry in ClinVar:

ClinVar aggregate classification (germline): Uncertain significance (1 of 4 stars; one submission).

gnomAD v4.1: 95 of 1,210,123 alleles (0.0079%); highest among the groups gnomAD compares: Non-Finnish European, 0.01%; no homozygotes.

Submission:

Ambry Genetics
Classification: Uncertain significance. Last evaluated: 2026-06-17. Review status: criteria provided, single submitter. Criteria: Ambry Variant Classification Scheme 2023. Collection method: clinical testing. Allele origin: germline.
Comment: The c.839A>G (p.Y280C) alteration is located in exon 2 (coding exon 1) of the MAGEB2 gene. This alteration results from a A to G substitution at nucleotide position 839, causing the tyrosine (Y) at amino acid position 280 to be replaced by a cysteine (C). Based on data from gnomAD, the G allele has an overall frequency of 0.002% (4/183333) total alleles studied. The highest observed frequency was 0.015% (2/13141) of African alleles. Based on insufficient or conflicting evidence, the clinical significance of this alteration remains unclear.

NM_002364.5(MAGEB2):c.839A>G (p.Tyr280Cys)

Gene: MAGEB2 (MAGE family member B2; plus strand). Cytogenetic location: Xp21.2.
Variant type: single nucleotide variant.
Coding change: c.839A>G on transcript NM_002364.5 (MANE Select); coding-DNA position 839, A replaced by G.
Protein change: p.Tyr280Cys; replaces tyrosine 280 with cysteine.
Molecular consequence: missense variant.
Genome position (GRCh38, 1-based): chrX:30,219,419, A>G. VCF-style: chrX-30219419-A-G. GRCh37 (hg19) VCF-style: chrX-30237536-A-G.
Other names: short protein forms Y280C.
Identifiers: ClinVar variation 5023831 (VCV005023831.1).